The following is an entry in ClinVar:

NM_005573.4(LMNB1):c.1283G>C (p.Ser428Thr)

Gene: LMNB1 (lamin B1; plus strand). Cytogenetic location: 5q23.2.
Variant type: single nucleotide variant.
Coding change: c.1283G>C on transcript NM_005573.4 (MANE Select); coding-DNA position 1283, G replaced by C.
Protein change: p.Ser428Thr; replaces serine 428 with threonine.
Molecular consequence: missense variant. On other transcripts: non-coding transcript variant (2).
Genome position (GRCh38, 1-based): chr5:126,821,032, G>C. VCF-style: chr5-126821032-G-C. GRCh37 (hg19) VCF-style: chr5-126156724-G-C.
Other names: c.653G>C, p.Ser218Thr (NM_001198557.2); short protein forms S218T, S428T.
Identifiers: ClinVar variation 3254809 (VCV003254809.1), dbSNP rs2479546115.

ClinVar aggregate classification (germline): Uncertain significance (1 of 4 stars; one submission).

Conditions:
Microcephaly 26, primary, autosomal dominant. Identifiers: MedGen C5543048, MONDO:0030928, OMIM 619179.

gnomAD v4.1: 1 of 1,614,040 alleles (0.000062%); highest among the groups gnomAD compares: Non-Finnish European, 0.000085%; no homozygotes.

Submission:

Victorian Clinical Genetics Services, Murdoch Childrens Research Institute
Classification: Uncertain significance for Microcephaly 26, primary, autosomal dominant. Last evaluated: 2023-07-17. Review status: criteria provided, single submitter. Criteria: ACMG Guidelines, 2015. Collection method: clinical testing. Allele origin: germline. Inheritance: Autosomal dominant inheritance. Affected: yes.
Comment: Based on the classification scheme VCGS_Germline_v1.3.4, this variant is classified as VUS-3B. Following criteria are met: 0105 - The mechanism of disease for this gene is not clearly established. However, haploinsufficiency has been suggested for leukodystrophy, adult-onset (MIM#169500), as copy number variants are associated with this condition. In addition, dominant-negative has been suggested for primary microcephaly 26 (MIM#619179). (I) 0107 - This gene is associated with autosomal dominant disease. (I) 0115 - Variants in this gene are known to have variable expressivity. Variable degrees of intellectual disability and neurological features have been reported in individuals with microcephaly (PMID: 32910914), (I) 0200 - Variant is predicted to result in a missense amino acid change from serine to threonine. (I) 0251 - This variant is heterozygous. (I) 0301 - Variant is absent from gnomAD (both v2 and v3). (SP) 0502 - Missense variant with conflicting in silico predictions and moderate conservation. (I) 0604 - Variant is not located in an established domain, motif, hotspot or informative constraint region. (I) 0705 - No comparable missense variants have previous evidence for pathogenicity. (I) 0807 - This variant has no previous evidence of pathogenicity. (I) 0905 - No published segregation evidence has been identified for this variant. (I) 1007 - No published functional evidence has been identified for this variant. (I) 1208 - Inheritance information for this variant is not currently available in this individual. (I) Legend: (SP) - Supporting pathogenic, (I) - Information, (SB) - Supporting benign

Literature cited by the submitters: PubMed 32910914.